The following is an entry in ClinVar:

NM_005676.5(RBM10):c.2704C>T (p.Arg902Trp)

Gene: RBM10 (RNA binding motif protein 10; plus strand). Cytogenetic location: Xp11.3.
Variant type: single nucleotide variant.
Coding change: c.2704C>T on transcript NM_005676.5 (MANE Select); coding-DNA position 2704, C replaced by T.
Protein change: p.Arg902Trp; replaces arginine 902 with tryptophan.
Molecular consequence: missense variant.
Genome position (GRCh38, 1-based): chrX:47,186,510, C>T. VCF-style: chrX-47186510-C-T. GRCh37 (hg19) VCF-style: chrX-47045909-C-T.
Other names: c.2473C>T, p.Arg825Trp (NM_001204466.2); c.2701C>T, p.Arg901Trp (NM_001204467.2); c.2899C>T, p.Arg967Trp (NM_001204468.2); c.2470C>T, p.Arg824Trp (NM_152856.3); short protein forms R825W, R902W, R967W, R824W, R901W.
Identifiers: ClinVar variation 2001652 (VCV002001652.4), dbSNP rs782208940, ClinGen allele CA10395537.

ClinVar aggregate classification (germline): Uncertain significance (1 of 4 stars; one submission).

Allele frequency attached by ClinVar (database versions not stated): gnomAD exomes below 0.00001; TOPMed 0.00001; ExAC 0.00002; gnomAD 0.00002.
gnomAD v4.1: 9 of 1,209,011 alleles (0.00074%); highest among the groups gnomAD compares: Admixed American, 0.0044%; no homozygotes.

Submission:

Labcorp Genetics (formerly Invitae), Labcorp
Classification: Uncertain significance. Last evaluated: 2022-06-01. Review status: criteria provided, single submitter. Criteria: Invitae Variant Classification Sherloc (09022015). Collection method: clinical testing. Allele origin: germline.
Comment: In summary, the available evidence is currently insufficient to determine the role of this variant in disease. Therefore, it has been classified as a Variant of Uncertain Significance. Algorithms developed to predict the effect of missense changes on protein structure and function are either unavailable or do not agree on the potential impact of this missense change (SIFT: "Deleterious"; PolyPhen-2: "Probably Damaging"; Align-GVGD: "Class C0"). This sequence change replaces arginine, which is basic and polar, with tryptophan, which is neutral and slightly polar, at codon 902 of the RBM10 protein (p.Arg902Trp). This variant is present in population databases (rs782208940, gnomAD no frequency), including at least one homozygous and/or hemizygous individual. This variant has not been reported in the literature in individuals affected with RBM10-related conditions.